The following is an entry in ClinVar:

NM_004655.4(AXIN2):c.255A>G (p.Leu85=)

Gene: AXIN2 (axin 2; minus strand). Cytogenetic location: 17q24.1.
Variant type: single nucleotide variant.
Coding change: c.255A>G on transcript NM_004655.4 (MANE Select); coding-DNA position 255, A replaced by G.
Protein change: p.Leu85=; no amino-acid change (leucine 85 retained).
Molecular consequence: synonymous variant.
Genome position (GRCh38, 1-based): chr17:65,558,366, T>C on the plus strand (A>G on the coding strand, the complement: AXIN2 is on the minus strand). VCF-style: chr17-65558366-T-C. GRCh37 (hg19) VCF-style: chr17-63554484-T-C.
Other names: c.255A>G, p.Leu85= (NM_001363813.1).
Identifiers: ClinVar variation 2918162 (VCV002918162.5), dbSNP rs2044305906, ClinGen allele CA501691396.

ClinVar aggregate classification (germline): Benign/Likely benign. Review status: criteria provided, multiple submitters, no conflicts (2 of 4 stars). 3 submissions from 3 submitters: Benign (1); Likely benign (2). Last evaluated 2025-11-18.

Conditions:
Hereditary cancer-predisposing syndrome. Also called: Neoplastic Syndromes, Hereditary; Tumor predisposition; Hereditary Cancer Syndrome; Hereditary neoplastic syndrome. Identifiers: Orphanet 140162, MedGen C0027672, MeSH D009386, MONDO:0015356.
Oligodontia-cancer predisposition syndrome. Also called: TOOTH AGENESIS-COLORECTAL CANCER SYNDROME. Identifiers: Orphanet 300576, MedGen C1837750, MONDO:0012075, OMIM 608615. Disease mechanism: loss of function.

Submissions (3):

Ambry Genetics
Classification: Likely benign for Hereditary cancer-predisposing syndrome. Last evaluated: 2025-11-18. Review status: criteria provided, single submitter. Criteria: Ambry Variant Classification Scheme 2023. Collection method: clinical testing. Allele origin: germline.

Myriad Genetics, Inc.
Classification: Benign for Oligodontia-cancer predisposition syndrome. Last evaluated: 2024-06-26. Review status: criteria provided, single submitter. Criteria: Myriad Autosomal Dominant, Autosomal Recessive and X-Linked Classification Criteria (2023). Collection method: clinical testing. Allele origin: unknown.
Comment: This variant is considered benign. This variant is a silent/synonymous amino acid change and it is not expected to impact splicing.

Labcorp Genetics (formerly Invitae), Labcorp
Classification: Likely benign for Oligodontia-cancer predisposition syndrome. Last evaluated: 2022-12-12. Review status: criteria provided, single submitter. Criteria: Invitae Variant Classification Sherloc (09022015). Collection method: clinical testing. Allele origin: germline.